The following is an entry in ClinVar:

NM_020207.7(ERCC6L2):c.4100T>C (p.Ile1367Thr)

Gene: ERCC6L2 (ERCC excision repair 6 like 2; plus strand). Cytogenetic location: 9q22.32.
Variant type: single nucleotide variant.
Coding change: c.4100T>C on transcript NM_020207.7 (MANE Select); coding-DNA position 4100, T replaced by C.
Protein change: p.Ile1367Thr; replaces isoleucine 1367 with threonine.
Molecular consequence: missense variant. On other transcripts: non-coding transcript variant (1), intron variant (2).
Genome position (GRCh38, 1-based): chr9:96,012,650, T>C. VCF-style: chr9-96012650-T-C. GRCh37 (hg19) VCF-style: chr9-98774932-T-C.
Other names: c.3674+7949T>C (NM_001375291.1, NM_001375292.1); short protein forms I1367T.
Identifiers: ClinVar variation 1499977 (VCV001499977.8), dbSNP rs544213164, ClinGen allele CA5140053.

ClinVar aggregate classification (germline): Uncertain significance (1 of 4 stars; one submission).

Allele frequency attached by ClinVar (database versions not stated): gnomAD exomes below 0.00001; ExAC 0.00001; gnomAD 0.00001; 1000 Genomes Project 30x 0.00016; 1000 Genomes Project 0.00020.
gnomAD v4.1: 1 of 1,367,572 alleles (0.000073%); highest among the groups gnomAD compares: African/African-American, 0.0015%; no homozygotes.

Submission:

Labcorp Genetics (formerly Invitae), Labcorp
Classification: Uncertain significance. Last evaluated: 2024-10-19. Review status: criteria provided, single submitter. Criteria: Invitae Variant Classification Sherloc (09022015). Collection method: clinical testing. Allele origin: germline.
Comment: This sequence change replaces isoleucine, which is neutral and non-polar, with threonine, which is neutral and polar, at codon 1378 of the ERCC6L2 protein (p.Ile1378Thr). This variant is present in population databases (rs544213164, gnomAD 0.007%). This variant has not been reported in the literature in individuals affected with ERCC6L2-related conditions. ClinVar contains an entry for this variant (Variation ID: 1499977). Experimental studies and prediction algorithms are not available or were not evaluated, and the functional significance of this variant is currently unknown. In summary, the available evidence is currently insufficient to determine the role of this variant in disease. Therefore, it has been classified as a Variant of Uncertain Significance.